The following is an entry in ClinVar:

NM_000093.5(COL5A1):c.4383C>T (p.Pro1461=)

Gene: COL5A1 (collagen type V alpha 1 chain; plus strand). Cytogenetic location: 9q34.3.
Variant type: single nucleotide variant.
Coding change: c.4383C>T on transcript NM_000093.5 (MANE Select); coding-DNA position 4383, C replaced by T.
Protein change: p.Pro1461=; no amino-acid change (proline 1461 retained).
Molecular consequence: synonymous variant.
Genome position (GRCh38, 1-based): chr9:134,818,892, C>T. VCF-style: chr9-134818892-C-T. GRCh37 (hg19) VCF-style: chr9-137710738-C-T.
Other names: p.P1461P:CCC>CCT; p.Pro1461=; c.4383C>T, p.Pro1461= (NM_001278074.1).
Identifiers: ClinVar variation 136895 (VCV000136895.61), dbSNP rs368551709, ClinGen allele CA290282.

ClinVar aggregate classification (germline): Benign/Likely benign. Review status: criteria provided, multiple submitters, no conflicts (2 of 4 stars). 12 submissions from 11 submitters: Benign (4); Likely benign (8). Last evaluated 2026-01-26.

Conditions:
Fibromuscular dysplasia, multifocal. Identifiers: MedGen C5543412, MONDO:0859151, OMIM 619329.
Ehlers-Danlos syndrome, classic type, 1 (EDSCL1). Also called: Ehlers-Danlos syndrome, type 1; Ehlers-Danlos Syndrome, Classic Type, COL5A1-Related; EDS I; EHLERS-DANLOS SYNDROME, GRAVIS TYPE; EHLERS-DANLOS SYNDROME, SEVERE CLASSIC TYPE. Identifiers: MedGen C0268335, MONDO:0019567, OMIM 130000.
Ehlers-Danlos syndrome, classic type (cEDS). Identifiers: Orphanet 287, MedGen C4225429, MONDO:0007522.
Familial thoracic aortic aneurysm and aortic dissection (TAAD). Also called: Thoracic aortic aneurysms and dissections. Identifiers: Orphanet 91387, MedGen C4707243, MONDO:0019625.

Allele frequency attached by ClinVar (database versions not stated): gnomAD exomes 0.00014; ESP Exome Variant Server 0.00015; gnomAD 0.00015 and 0.00016; ExAC 0.00016; TOPMed 0.00016.
gnomAD v4.1: 192 of 1,612,968 alleles (0.012%); highest among the groups gnomAD compares: Middle Eastern, 0.017%; no homozygotes.

Submissions (12):

Labcorp Genetics (formerly Invitae), Labcorp
Classification: Likely benign for Ehlers-Danlos syndrome, classic type, 1. Last evaluated: 2026-01-26. Review status: criteria provided, single submitter. Criteria: Invitae Variant Classification Sherloc (09022015). Collection method: clinical testing. Allele origin: germline.

ARUP Laboratories, Molecular Genetics and Genomics, ARUP Laboratories
Classification: Likely benign. Last evaluated: 2025-05-26. Review status: criteria provided, single submitter. Criteria: ARUP Molecular Germline Variant Investigation Process 2024. Collection method: clinical testing. Allele origin: germline.

Mayo Clinic Laboratories, Mayo Clinic
Classification: Likely benign. Last evaluated: 2024-12-17. Review status: criteria provided, single submitter. Criteria: ACMG Guidelines, 2015. Collection method: clinical testing. Allele origin: germline. Observed: 2 variant alleles.
Comment: BS1, BP4, BP7

Blueprint Genetics
Classification: Likely benign. Last evaluated: 2024-09-18. Review status: criteria provided, single submitter. Criteria: ACMG Guidelines, 2015. Collection method: clinical testing. Allele origin: germline.

Women's Health and Genetics/Laboratory Corporation of America, LabCorp
Classification: Benign. Last evaluated: 2023-08-24. Review status: criteria provided, single submitter. Criteria: LabCorp Variant Classification Summary - May 2015. Collection method: clinical testing. Allele origin: germline.

Genome-Nilou Lab
Classification: Benign for Ehlers-Danlos syndrome, classic type, 1. Last evaluated: 2022-03-15. Review status: criteria provided, single submitter. Criteria: ACMG Guidelines, 2015. Collection method: clinical testing. Allele origin: germline. Affected: no.

Genome-Nilou Lab
Classification: Benign for Fibromuscular dysplasia, multifocal. Last evaluated: 2022-03-15. Review status: criteria provided, single submitter. Criteria: ACMG Guidelines, 2015. Collection method: clinical testing. Allele origin: germline. Affected: no.

CeGaT Center for Human Genetics Tuebingen
Classification: Likely benign. Last evaluated: 2020-05-01. Review status: criteria provided, single submitter. Criteria: CeGaT Center For Human Genetics Tuebingen Variant Classification Criteria Version 2. Collection method: clinical testing. Allele origin: germline. Affected: yes. Observed: 1 variant allele.

Illumina Laboratory Services, Illumina
Classification: Likely benign for Ehlers-Danlos syndrome, classic type, 1. Last evaluated: 2018-01-12. Review status: criteria provided, single submitter. Criteria: ICSL Variant Classification Criteria 13 December 2019. Collection method: clinical testing. Allele origin: germline.
Comment: This variant was observed in the ICSL laboratory as part of a predisposition screen in an ostensibly healthy population. It had not been previously curated by ICSL or reported in the Human Gene Mutation Database (HGMD: prior to June 1st, 2018), and was therefore a candidate for classification through an automated scoring system. Utilizing variant allele frequency, disease prevalence and penetrance estimates, and inheritance mode, an automated score was calculated to assess if this variant is too frequent to cause the disease. Based on the score and internal cut-off values, a variant classified as likely benign is not then subjected to further curation. The score for this variant resulted in a classification of likely benign for this disease.

Ambry Genetics
Classification: Likely benign for Familial thoracic aortic aneurysm and aortic dissection. Last evaluated: 2016-09-19. Review status: criteria provided, single submitter. Criteria: Ambry Variant Classification Scheme 2023. Collection method: clinical testing. Allele origin: germline.

GeneDx
Classification: Benign. Last evaluated: 2014-05-14. Review status: criteria provided, single submitter. Criteria: GeneDx Variant Classification (06012015). Collection method: clinical testing. Allele origin: germline. Affected: yes.
Comment: This variant is considered likely benign or benign based on one or more of the following criteria: it is a conservative change, it occurs at a poorly conserved position in the protein, it is predicted to be benign by multiple in silico algorithms, and/or has population frequency not consistent with disease.

PreventionGenetics, part of Exact Sciences
Classification: Likely benign. Review status: criteria provided, single submitter. Criteria: ACMG Guidelines, 2015. Collection method: clinical testing. Allele origin: germline.